The following is an entry in ClinVar:

ClinVar aggregate classification (germline): Conflicting classifications of pathogenicity. Review status: criteria provided, conflicting classifications (1 of 4 stars). 8 submissions from 8 submitters: Uncertain significance (1); Benign (2); Likely benign (4). 1 of the submissions does not count toward it. Last evaluated 2026-08-01.

Conditions:
Finnish congenital nephrotic syndrome (NPHS1). Also called: NEPHROTIC SYNDROME, TYPE 1. Identifiers: Orphanet 839, MedGen C0403399, MONDO:0009732, OMIM 256300.
Congenital nephrotic syndrome. Also called: Familial nephrotic syndrome. Identifiers: MedGen C3501848, MeSH C535761, MONDO:0002350, HP:0008677.
Focal segmental glomerulosclerosis (FSGS). Also called: Glomerulosclerosis, focal; Focal sclerosis with hyalinosis. Identifiers: MedGen C0017668, MONDO:0100313, HP:0000097. Disease mechanism: loss of function.

Allele frequency attached by ClinVar (database versions not stated): gnomAD exomes 0.00050 and 0.00096; ExAC 0.00117; ESP Exome Variant Server 0.00212; 1000 Genomes Project 0.00240; 1000 Genomes Project 30x 0.00265; gnomAD 0.00361 and 0.00387; TOPMed 0.00413.
gnomAD v4.1: 1,296 of 1,611,192 alleles (0.08%); highest among the groups gnomAD compares: African/African-American, 1.3%; 7 homozygotes.

Submissions (8):

CeGaT Center for Human Genetics Tuebingen
Classification: Likely benign. Last evaluated: 2026-08-01. Review status: criteria provided, single submitter. Criteria: CeGaT Center For Human Genetics Tuebingen Variant Classification Criteria Version 2. Collection method: clinical testing. Allele origin: germline. Affected: yes. Observed: 2 variant alleles.
Comment: NPHS1: BS1

Labcorp Genetics (formerly Invitae), Labcorp
Classification: Benign. Last evaluated: 2026-01-28. Review status: criteria provided, single submitter. Criteria: Invitae Variant Classification Sherloc (09022015). Collection method: clinical testing. Allele origin: germline.

Blueprint Genetics
Classification: Likely benign. Last evaluated: 2024-11-12. Review status: criteria provided, single submitter. Criteria: ACMG Guidelines, 2015. Collection method: clinical testing. Allele origin: germline.

Women's Health and Genetics/Laboratory Corporation of America, LabCorp
Classification: Benign. Last evaluated: 2022-06-16. Review status: criteria provided, single submitter. Criteria: LabCorp Variant Classification Summary - May 2015. Collection method: clinical testing. Allele origin: germline.
Comment: Variant summary: NPHS1 c.1758-8T>G alters a non-conserved nucleotide located close to a canonical splice site and therefore could affect mRNA splicing, leading to a significantly altered protein sequence. 4/4 computational tools predict no significant impact on normal splicing, however, these predictions have yet to be confirmed by functional studies. The variant allele was found at a frequency of 0.0012 in 269642 control chromosomes in the gnomAD database, including 3 homozygotes; occuring predominantly at a frequency of 0.012 within the African or African-American subpopulation in the gnomAD database. The observed variant frequency within African or African-American control individuals in the gnomAD database is approximately 4 fold of the estimated maximal expected allele frequency for a pathogenic variant in NPHS1 causing Nephrotic Syndrome, Type 1 (0.0034), strongly suggesting that the variant is a benign polymorphism found primarily in populations of African or African-American origin. To our knowledge, no occurrence of c.1758-8T>G in individuals affected with Nephrotic Syndrome, Type 1 and no experimental evidence demonstrating its impact on protein function have been reported. Four ClinVar submitters have assessed the variant since 2014: one classified the variant as of uncertain significance, one as likely benign, and two as benign. Based on the evidence outlined above, the variant was classified as benign.

GeneDx
Classification: Likely benign. Last evaluated: 2020-12-01. Review status: criteria provided, single submitter. Criteria: GeneDx Variant Classification Process June 2021. Collection method: clinical testing. Allele origin: germline. Affected: yes.

Genome Diagnostics Laboratory, The Hospital for Sick Children
Classification: Likely benign for Focal segmental glomerulosclerosis. Last evaluated: 2020-11-18. Review status: criteria provided, single submitter. Criteria: ACMG Guidelines, 2015. Collection method: clinical testing. Allele origin: germline.

Illumina Laboratory Services, Illumina
Classification: Uncertain significance for Congenital nephrotic syndrome. Last evaluated: 2018-01-13. Review status: criteria provided, single submitter. Criteria: ICSL Variant Classification Criteria 13 December 2019. Collection method: clinical testing. Allele origin: germline.

Natera, Inc.
Classification: Benign for Finnish congenital nephrotic syndrome. Last evaluated: 2019-11-11. Review status: no assertion criteria provided. Collection method: clinical testing. Allele origin: germline. Not counted in ClinVar's aggregate classification.

NM_004646.4(NPHS1):c.1758-8T>G

Gene: NPHS1 (NPHS1 adhesion molecule, nephrin; minus strand). Cytogenetic location: 19q13.12.
Variant type: single nucleotide variant.
Coding change: c.1758-8T>G on transcript NM_004646.4 (MANE Select); 8 bases into the intron before coding-DNA position 1758, T replaced by G.
Molecular consequence: intron variant.
Genome position (GRCh38, 1-based): chr19:35,845,548, A>C on the plus strand (T>G on the coding strand, the complement: NPHS1 is on the minus strand). VCF-style: chr19-35845548-A-C. GRCh37 (hg19) VCF-style: chr19-36336450-A-C.
Identifiers: ClinVar variation 716477 (VCV000716477.27), dbSNP rs187501631, ClinGen allele CA9390331.